The following is an entry in ClinVar:

ClinVar aggregate classification (germline): Likely benign. Review status: criteria provided, multiple submitters, no conflicts (2 of 4 stars). 4 submissions from 4 submitters: Likely benign (4). Last evaluated 2026-06-01.

Conditions:
COL18A1-related disorder. Also called: COL18A1-related disorders; COL18A1-related condition.

Allele frequency attached by ClinVar (database versions not stated): ESP Exome Variant Server 0.00009; gnomAD 0.00016 and 0.00018; gnomAD exomes 0.00016; ExAC 0.00018; TOPMed 0.00027.
gnomAD v4.1: 94 of 1,516,732 alleles (0.0062%); highest among the groups gnomAD compares: Admixed American, 0.086%; 2 homozygotes.

Submissions (4):

CeGaT Center for Human Genetics Tuebingen
Classification: Likely benign. Last evaluated: 2026-06-01. Review status: criteria provided, single submitter. Criteria: CeGaT Center For Human Genetics Tuebingen Variant Classification Criteria Version 2. Collection method: clinical testing. Allele origin: germline. Affected: yes. Observed: 1 variant allele.
Comment: COL18A1: BP4, BP7

Labcorp Genetics (formerly Invitae), Labcorp
Classification: Likely benign. Last evaluated: 2026-01-19. Review status: criteria provided, single submitter. Criteria: Invitae Variant Classification Sherloc (09022015). Collection method: clinical testing. Allele origin: germline.

PreventionGenetics, part of Exact Sciences
Classification: Likely benign for COL18A1-related condition. Last evaluated: 2025-11-13. Review status: criteria provided, single submitter. Criteria: ACMG Guidelines, 2015. Collection method: clinical testing. Allele origin: germline.
Comment: This variant is classified as likely benign based on ACMG/AMP sequence variant interpretation guidelines (Richards et al. 2015 PMID: 25741868, with internal and published modifications).

Blueprint Genetics
Classification: Likely benign. Last evaluated: 2022-09-09. Review status: criteria provided, single submitter. Criteria: ACMG Guidelines, 2015. Collection method: clinical testing. Allele origin: germline.

NM_001379500.1(COL18A1):c.1212C>T (p.Asp404=)

Gene: COL18A1 (collagen type XVIII alpha 1 chain; plus strand). Cytogenetic location: 21q22.3.
Variant type: single nucleotide variant.
Coding change: c.1212C>T on transcript NM_001379500.1 (MANE Select); coding-DNA position 1212, C replaced by T.
Protein change: p.Asp404=; no amino-acid change (aspartic acid 404 retained).
Molecular consequence: synonymous variant.
Genome position (GRCh38, 1-based): chr21:45,477,956, C>T. VCF-style: chr21-45477956-C-T. GRCh37 (hg19) VCF-style: chr21-46897870-C-T.
Other names: c.1752C>T, p.Asp584= (NM_030582.4); c.2457C>T, p.Asp819= (NM_130444.3); c.1752C>T (NM_030582.3).
Identifiers: ClinVar variation 1603623 (VCV001603623.12), dbSNP rs367951949, ClinGen allele CA10066101.